The following is an entry in ClinVar:

NM_002439.5(MSH3):c.579+5G>T

Gene: MSH3 (mutS homolog 3; plus strand). Cytogenetic location: 5q14.1.
Variant type: single nucleotide variant.
Coding change: c.579+5G>T on transcript NM_002439.5 (MANE Select); 5 bases into the intron after coding-DNA position 579, G replaced by T.
Molecular consequence: intron variant.
Genome position (GRCh38, 1-based): chr5:80,665,368, G>T. VCF-style: chr5-80665368-G-T. GRCh37 (hg19) VCF-style: chr5-79961187-G-T.
Identifiers: ClinVar variation 1045282 (VCV001045282.7), dbSNP rs1749547752, ClinGen allele CA1558453577.
Genomic context (GRCh38, chr5:80,665,368, plus strand): 5'-TACACGCAAAGAATGCAGTTTCTTCTGAAGATTCGAAACGTCAAATTAATCAAAAGGTAT[G>T]TAACTGCTATAGATGAGTATCCAGTTACCTAGAATAGTGGGTTCTGAAGTACTGTCAGGT-3'

ClinVar aggregate classification (germline): Uncertain significance (1 of 4 stars; one submission).

Submission:

Labcorp Genetics (formerly Invitae), Labcorp
Classification: Uncertain significance. Last evaluated: 2020-02-05. Review status: criteria provided, single submitter. Criteria: Invitae Variant Classification Sherloc (09022015). Collection method: clinical testing. Allele origin: germline.
Comment: In summary, the available evidence is currently insufficient to determine the role of this variant in disease. Therefore, it has been classified as a Variant of Uncertain Significance. Nucleotide substitutions within the consensus splice site are a relatively common cause of aberrant splicing (PMID: 17576681, 9536098). Algorithms developed to predict the effect of sequence changes on RNA splicing suggest that this variant may disrupt the consensus splice site, but this prediction has not been confirmed by published transcriptional studies. This variant has not been reported in the literature in individuals with MSH3-related conditions. This variant is not present in population databases (ExAC no frequency). This sequence change falls in intron 3 of the MSH3 gene. It does not directly change the encoded amino acid sequence of the MSH3 protein, but it affects a nucleotide within the consensus splice site of the intron.

Literature cited by the submitters: PubMed 17576681; PubMed 9536098.